The following is an entry in ClinVar:

NM_025145.7(CFAP43):c.2590A>G (p.Ile864Val)

Gene: CFAP43 (cilia and flagella associated protein 43; minus strand). Cytogenetic location: 10q25.1.
Variant type: single nucleotide variant.
Coding change: c.2590A>G on transcript NM_025145.7 (MANE Select); coding-DNA position 2590, A replaced by G.
Protein change: p.Ile864Val; replaces isoleucine 864 with valine.
Molecular consequence: missense variant.
Genome position (GRCh38, 1-based): chr10:104,168,845, T>C on the plus strand (A>G on the coding strand, the complement: CFAP43 is on the minus strand). VCF-style: chr10-104168845-T-C. GRCh37 (hg19) VCF-style: chr10-105928603-T-C.
Other names: c.2590A>G (NM_025145.6); short protein forms I864V.
Identifiers: ClinVar variation 756173 (VCV000756173.4), dbSNP rs746898477, ClinGen allele CA5680565.
Genomic context (GRCh38, chr10:104,168,845, plus strand): 5'-CTTCTTTGATAAGTTCAGCCAAATAGCTCTTGGCTAAGTTATGCATCTCTACATCCTTTA[T>C]CATCTTGAAGAACACAGACAAAGGGAAAAGATAAAAATGAAAGTGTGGACTCAGAAATAA-3'
Protein context (NP_079421.5, residues 854-874): DESQEEVAKM[Ile864Val]KDVEMHNLAK

ClinVar aggregate classification (germline): Likely benign. Review status: criteria provided, multiple submitters, no conflicts (2 of 4 stars). 2 submissions from 2 submitters: Likely benign (2). Last evaluated 2026-07-13.

Conditions:
CFAP43-related disorder. Also called: CFAP43-related condition.

Allele frequency attached by ClinVar (database versions not stated): gnomAD 0.00009 and 0.00011; TOPMed 0.00012; gnomAD exomes 0.00028; ExAC 0.00030.
gnomAD v4.1: 80 of 1,608,532 alleles (0.005%); highest among the groups gnomAD compares: East Asian, 0.17%; no homozygotes.

Submissions (2):

PreventionGenetics, part of Exact Sciences
Classification: Likely benign for CFAP43-related condition. Last evaluated: 2026-07-13. Review status: criteria provided, single submitter. Criteria: ACMG Guidelines, 2015. Collection method: clinical testing. Allele origin: germline.
Comment: This variant is classified as likely benign based on ACMG/AMP sequence variant interpretation guidelines (Richards et al. 2015 PMID: 25741868, with internal and published modifications).

Labcorp Genetics (formerly Invitae), Labcorp
Classification: Likely benign. Last evaluated: 2018-06-29. Review status: criteria provided, single submitter. Criteria: Invitae Variant Classification Sherloc (09022015). Collection method: clinical testing. Allele origin: germline.